The following is an entry in ClinVar:

NM_001083962.2(TCF4):c.*2413G>A

Gene: TCF4 (transcription factor 4; minus strand). Cytogenetic location: 18q21.2.
Variant type: single nucleotide variant.
Coding change: c.*2413G>A on transcript NM_001083962.2 (MANE Select); 2413 bases downstream of the stop codon, G replaced by A.
Molecular consequence: 3 prime UTR variant.
Genome position (GRCh38, 1-based): chr18:55,225,622, C>T on the plus strand (G>A on the coding strand, the complement: TCF4 is on the minus strand). VCF-style: chr18-55225622-C-T. GRCh37 (hg19) VCF-style: chr18-52892853-C-T.
Other names: c.*2413G>A (NM_001243226.3, NM_001243227.2, NM_001243228.2 and 42 more transcripts).
Identifiers: ClinVar variation 327274 (VCV000327274.5), dbSNP rs191924864, ClinGen allele CA10641756.

ClinVar aggregate classification (germline): Benign (1 of 4 stars; one submission).

Conditions:
Pitt-Hopkins syndrome (PTHS). Also called: ENCEPHALOPATHY, SEVERE EPILEPTIC, WITH AUTONOMIC DYSFUNCTION; MENTAL RETARDATION, SYNDROMAL, WITH INTERMITTENT HYPERVENTILATION. Identifiers: Orphanet 2896, MedGen C1970431, MONDO:0012589, OMIM 610954.

Allele frequency attached by ClinVar (database versions not stated): 1000 Genomes Project 30x 0.00047; gnomAD 0.00054 and 0.00056; TOPMed 0.00055; 1000 Genomes Project 0.00060.

Submission:

Illumina Laboratory Services, Illumina
Classification: Benign for Pitt-Hopkins syndrome. Last evaluated: 2018-01-12. Review status: criteria provided, single submitter. Criteria: ICSL Variant Classification Criteria 13 December 2019. Collection method: clinical testing. Allele origin: germline.
Comment: This variant was observed in the ICSL laboratory as part of a predisposition screen in an ostensibly healthy population. It had not been previously curated by ICSL or reported in the Human Gene Mutation Database (HGMD: prior to June 1st, 2018), and was therefore a candidate for classification through an automated scoring system. Utilizing variant allele frequency, disease prevalence and penetrance estimates, and inheritance mode, an automated score was calculated to assess if this variant is too frequent to cause the disease. Based on the score and internal cut-off values, a variant classified as benign is not then subjected to further curation. The score for this variant resulted in a classification of benign for this disease.